The following is an entry in ClinVar:

NM_000093.5(COL5A1):c.513C>T (p.Ser171=)

Gene: COL5A1 (collagen type V alpha 1 chain; plus strand). Cytogenetic location: 9q34.3.
Variant type: single nucleotide variant.
Coding change: c.513C>T on transcript NM_000093.5 (MANE Select); coding-DNA position 513, C replaced by T.
Protein change: p.Ser171=; no amino-acid change (serine 171 retained).
Molecular consequence: synonymous variant.
Genome position (GRCh38, 1-based): chr9:134,701,192, C>T. VCF-style: chr9-134701192-C-T. GRCh37 (hg19) VCF-style: chr9-137593038-C-T.
Other names: p.Ser171=; c.513C>T, p.Ser171= (NM_001278074.1).
Identifiers: ClinVar variation 377720 (VCV000377720.12), dbSNP rs754997436, ClinGen allele CA5318339.

ClinVar aggregate classification (germline): Benign/Likely benign. Review status: criteria provided, multiple submitters, no conflicts (2 of 4 stars). 5 submissions from 5 submitters: Benign (1); Likely benign (4). Last evaluated 2026-02-02.

Conditions:
Ehlers-Danlos syndrome, classic type, 1 (EDSCL1). Also called: EHLERS-DANLOS SYNDROME, GRAVIS TYPE; EHLERS-DANLOS SYNDROME, SEVERE CLASSIC TYPE; Ehlers-Danlos Syndrome, Classic Type, COL5A1-Related; EDS I; Ehlers-Danlos syndrome, type 1. Identifiers: MedGen C0268335, MONDO:0019567, OMIM 130000.
Familial thoracic aortic aneurysm and aortic dissection (TAAD). Also called: Thoracic aortic aneurysms and dissections. Identifiers: Orphanet 91387, MedGen C4707243, MONDO:0019625.

Allele frequency attached by ClinVar (database versions not stated): gnomAD 0.00003; gnomAD exomes 0.00005; TOPMed 0.00003; ExAC 0.00004.
gnomAD v4.1: 75 of 1,613,902 alleles (0.0046%); highest among the groups gnomAD compares: South Asian, 0.027%; 1 homozygote.

Submissions (5):

Labcorp Genetics (formerly Invitae), Labcorp
Classification: Likely benign for Ehlers-Danlos syndrome, classic type, 1. Last evaluated: 2026-02-02. Review status: criteria provided, single submitter. Criteria: Invitae Variant Classification Sherloc (09022015). Collection method: clinical testing. Allele origin: germline.

Mayo Clinic Laboratories, Mayo Clinic
Classification: Likely benign. Last evaluated: 2025-10-30. Review status: criteria provided, single submitter. Criteria: ACMG Guidelines, 2015. Collection method: clinical testing. Allele origin: germline. Observed: 1 variant allele.
Comment: BS1, BP4, BP7

Women's Health and Genetics/Laboratory Corporation of America, LabCorp
Classification: Benign. Last evaluated: 2025-05-27. Review status: criteria provided, single submitter. Criteria: LabCorp Variant Classification Summary - May 2015. Collection method: clinical testing. Allele origin: germline.

Ambry Genetics
Classification: Likely benign for Familial thoracic aortic aneurysm and aortic dissection. Last evaluated: 2025-05-24. Review status: criteria provided, single submitter. Criteria: Ambry Variant Classification Scheme 2023. Collection method: clinical testing. Allele origin: germline.

GeneDx
Classification: Likely benign. Last evaluated: 2020-06-16. Review status: criteria provided, single submitter. Criteria: GeneDx Variant Classification Process June 2021. Collection method: clinical testing. Allele origin: germline. Affected: yes.
Comment: This variant is associated with the following publications: (PMID: 29924831)